The following is an entry in ClinVar:

NM_005732.4(RAD50):c.440C>T (p.Ser147Phe)

Gene: RAD50 (RAD50 double strand break repair protein; plus strand). Cytogenetic location: 5q31.1.
Variant type: single nucleotide variant.
Coding change: c.440C>T on transcript NM_005732.4 (MANE Select); coding-DNA position 440, C replaced by T.
Protein change: p.Ser147Phe; replaces serine 147 with phenylalanine.
Molecular consequence: missense variant.
Genome position (GRCh38, 1-based): chr5:132,579,391, C>T. VCF-style: chr5-132579391-C-T. GRCh37 (hg19) VCF-style: chr5-131915083-C-T.
Other names: short protein forms S147F.
Identifiers: ClinVar variation 1740385 (VCV001740385.2), dbSNP rs2479615836, ClinGen allele CA360934002.

ClinVar aggregate classification (germline): Uncertain significance (1 of 4 stars; one submission).

Conditions:
Hereditary cancer-predisposing syndrome. Also called: Hereditary Cancer Syndrome; Hereditary neoplastic syndrome; Neoplastic Syndromes, Hereditary; Tumor predisposition. Identifiers: Orphanet 140162, MedGen C0027672, MeSH D009386, MONDO:0015356.

Submission:

Ambry Genetics
Classification: Uncertain significance for Hereditary cancer-predisposing syndrome. Last evaluated: 2019-12-09. Review status: criteria provided, single submitter. Criteria: Ambry Variant Classification Scheme 2023. Collection method: clinical testing. Allele origin: germline.
Comment: The p.S147F variant (also known as c.440C>T), located in coding exon 4 of the RAD50 gene, results from a C to T substitution at nucleotide position 440. The serine at codon 147 is replaced by phenylalanine, an amino acid with highly dissimilar properties. This amino acid position is highly conserved in available vertebrate species. In addition, the in silico prediction for this alteration is inconclusive. Since supporting evidence is limited at this time, the clinical significance of this alteration remains unclear.